The following is an entry in ClinVar:

ClinVar aggregate classification (germline): Pathogenic (1 of 4 stars; one submission).

Conditions:
Rare genetic deafness. Identifiers: Orphanet 96210, MedGen C5680250.

Submission:

Laboratory for Molecular Medicine, Mass General Brigham Personalized Medicine
Classification: Pathogenic for Rare genetic deafness. Last evaluated: 2013-08-01. Review status: criteria provided, single submitter. Criteria: LMM Criteria. Collection method: clinical testing. Allele origin: germline. Inheritance: Autosomal recessive inheritance. Observed: 1 variant allele.
Comment: The Deletion of Exons 22-24 in USH2A has not been reported in the literature nor previously identified by our laboratory. This variant is a multi-exonic deletio n encompassing exons 22-24 of USH2A and is predicted to result in an absent or t runcated protein. Several large deletions that span one or more exons of the USH 2A gene have been reported in probands affected with Usher syndrome type II (Ber nal 2005, Baux 2007, Dreyer 2008, Stabej 2012). In summary, this variant meets o ur criteria to be classified as pathogenic (http:/).

Literature cited by the submitters: PubMed 16098008; PubMed 18273898; PubMed 22135276; PubMed 17405132.

NC_000001.10:g.(?_216260061)_(216270555_?)del

Gene: USH2A (usherin; minus strand). Cytogenetic location: 1q41.
Variant type: Deletion.
Other names: c.(?_4628)_(4987_?)del (NM_206933.2).
Identifiers: ClinVar variation 989467 (VCV000989467.4).